The following is an entry in ClinVar:

NM_206933.4(USH2A):c.949C>A (p.Arg317=)

Gene: USH2A (usherin; minus strand). Cytogenetic location: 1q41.
Variant type: single nucleotide variant.
Coding change: c.949C>A on transcript NM_206933.4 (MANE Select); coding-DNA position 949, C replaced by A.
Protein change: p.Arg317=; no amino-acid change (arginine 317 retained).
Molecular consequence: synonymous variant.
Genome position (GRCh38, 1-based): chr1:216,325,499, G>T on the plus strand (C>A on the coding strand, the complement: USH2A is on the minus strand). VCF-style: chr1-216325499-G-T. GRCh37 (hg19) VCF-style: chr1-216498841-G-T.
Other names: USH2A, 949C-A, ARG317ARG; R317R; c.949C>A, p.Arg317= (NM_007123.6).
Identifiers: ClinVar variation 2358 (VCV000002358.80), dbSNP rs111033272, ClinGen allele CA252237.
Genomic context (GRCh38, chr1:216,325,499, plus strand): 5'-GATTCAACCGTGACACTCTATTATCAGCTGTGTCTCCTGCATCATTAGGAATGCAGTACC[G>T]CTGTGCCAAAGGGTGGACCCGCGGGTGGCTGCCAGGGCAACGGCAATGTGATTGGGCATG-3'
Protein context (NP_996816.3, residues 307-327): SHPRVHPLAQ[Arg317=]YCIPNDAGDT

ClinVar aggregate classification (germline): Pathogenic. Review status: criteria provided, multiple submitters, no conflicts (2 of 4 stars). 26 submissions from 23 submitters: Pathogenic (21). 5 of the submissions do not count toward it. Last evaluated 2026-07-20.

Conditions:
Monogenic hearing loss.
Pigmentary retinopathy. Also called: Rarefaction of retinal pigmentation; Pigmentary retinal deposits. Identifiers: MedGen C4551715, HP:0000580.
Rod-cone dystrophy. Identifiers: MedGen C4551714, HP:0000510.
Retinal pigment epithelial atrophy. Identifiers: MedGen C1840457, HP:0007722.
Abnormal macular morphology. Identifiers: MedGen C4520679, HP:0001103.
Blindness. Also called: Blindness (disorder). Identifiers: MedGen C0456909, MONDO:0001941, HP:0000618.
USH2A-related disorder. Also called: USH2A-related disorders; USH2A-related condition. Identifiers: MedGen CN239332.
Usher syndrome type 2. Also called: Usher Syndrome Type II. Identifiers: Orphanet 231178, MedGen C0339534, MONDO:0016484.
Rare genetic deafness. Identifiers: Orphanet 96210, MedGen C5680250.
Retinal dystrophy. Also called: Inherited retinal dystrophy. Identifiers: Orphanet 71862, MedGen C0854723, MeSH D058499, MONDO:0019118, HP:0000556.
Retinitis pigmentosa 39 (RP39). Identifiers: Orphanet 791, MedGen C3151138, MONDO:0013436, OMIM 613809.
Usher syndrome type 2A. Also called: RETINAL DISEASE IN USHER SYNDROME TYPE IIA, MODIFIER OF; USHER SYNDROME, TYPE IIA. Identifiers: Orphanet 231178, Orphanet 886, MedGen C1848634, MONDO:0010169, OMIM 276901.
Retinal disorder. Also called: Retinopathies; Retinal Diseases; Retinal disorders; Retinopathy. Identifiers: MedGen C0035309, MONDO:0005283, HP:0000488.

Allele frequency attached by ClinVar (database versions not stated): ExAC 0.00002; TOPMed 0.00002; gnomAD 0.00003.
gnomAD v4.1: 68 of 1,613,720 alleles (0.0042%); highest among the groups gnomAD compares: Non-Finnish European, 0.0054%; no homozygotes.

Submissions 1 to 17 of 26:

Genetics Laboratory, Great Ormond Street Hospital NHS Foundation Trust, North Thames Genomic Laboratory Hub
Classification: Pathogenic for Monogenic hearing loss. Last evaluated: 2026-07-20. Review status: criteria provided, single submitter. Criteria: ACGS Best Practice Guidelines for Variant Classification in Rare Disease 2024 v1.2. Collection method: clinical testing. Allele origin: germline. Affected: yes.
Comment: PM2_moderate, PVS1_supporting, PM3_very-strong

PreventionGenetics, part of Exact Sciences
Classification: Pathogenic for USH2A-related condition. Last evaluated: 2026-06-20. Review status: criteria provided, single submitter. Criteria: ACMG Guidelines, 2015. Collection method: clinical testing. Allele origin: germline.
Comment: The USH2A c.949C>A variant is not predicted to result in an amino acid change (p.=). This variant is predicted to create a cryptic splice donor site based on available splicing prediction programs (SpliceAI, Jaganathan et al. 2019. PubMed ID: 30661751). This variant was reported in individuals with retinitis pigmentosa or Usher syndrome (see, for example, supplementary data, Pierrache et al. 2016. PubMed ID: 26927203; Karali et al. 2019. PubMed ID: 31877679; supplementary data, Weisschuh et al. 2020. PubMed ID: 32531858; supplementary data, Sheck et al. 2021. PubMed ID: 33749171; supplementary data, Mansard et al. 2021. PubMed ID: 34948090; supplementary data, Panneman et al. 2023. PubMed ID: 36819107; supplementary data, Lin et al. 2024. PubMed ID: 38219857). This variant is reported in 0.0062% of alleles in individuals of European (Non-Finnish) descent in gnomAD. This variant is interpreted as pathogenic.

Natera, Inc.
Classification: Pathogenic for Usher syndrome type 2A. Last evaluated: 2026-01-23. Review status: criteria provided, single submitter. Criteria: Natera Variant Classification Schema (03/2026). Collection method: clinical testing. Allele origin: germline.
Comment: The c.949C>A variant in USH2A is a synonymous variant that does not alter the encoded amino acid at position 317 (p.R317=). This variant is rare in the general population with a frequency below the threshold expected for the associated phenotype(s). This variant has been observed in one or more individuals affected with the associated recessive disease, as either homozygous or compound heterozygous with a second variant (PMID: 28944237). Given the available evidence, this variant is classified as Pathogenic.

Labcorp Genetics (formerly Invitae), Labcorp
Classification: Pathogenic. Last evaluated: 2026-01-18. Review status: criteria provided, single submitter. Criteria: Invitae Variant Classification Sherloc (09022015). Collection method: clinical testing. Allele origin: germline.
Comment: This sequence change affects codon 317 of the USH2A mRNA. It is a 'silent' change, meaning that it does not change the encoded amino acid sequence of the USH2A protein. RNA analysis indicates that this variant induces altered splicing and may result in an absent or altered protein product. This variant is present in population databases (rs111033272, gnomAD 0.006%). This variant has been observed in individual(s) with Usher syndrome type IIa or nonsydromic retinitis pigmentosa (PMID: 15241801, 20513143, 21569298, 26927203). In at least one individual the data is consistent with being in trans (on the opposite chromosome) from a pathogenic variant. ClinVar contains an entry for this variant (Variation ID: 2358). Studies have shown that this variant results in activation of a cryptic splice site, and produces a non-functional protein and/or introduces a premature termination codon (PMID: 20513143). For these reasons, this variant has been classified as Pathogenic.

CeGaT Center for Human Genetics Tuebingen
Classification: Pathogenic. Last evaluated: 2025-02-01. Review status: criteria provided, single submitter. Criteria: CeGaT Center For Human Genetics Tuebingen Variant Classification Criteria Version 2. Collection method: clinical testing. Allele origin: germline. Affected: yes. Observed: 2 variant alleles.
Comment: USH2A: PM3:Very Strong, PVS1, PM2

Institute of Medical Genetics and Applied Genomics, University Hospital Tübingen
Classification: Pathogenic for Usher syndrome type 2A. Last evaluated: 2025-01-10. Review status: criteria provided, single submitter. Criteria: ACMG Guidelines, 2015. Collection method: clinical testing. Allele origin: germline. Inheritance: Autosomal recessive inheritance. Affected: yes.

Blueprint Genetics
Classification: Pathogenic for USH2A-related disorders. Last evaluated: 2024-11-08. Review status: criteria provided, single submitter. Criteria: ACMG Guidelines, 2015. Collection method: clinical testing. Allele origin: germline. Affected: yes. Observed: 5 variant alleles.

Equipe Genetique des Anomalies du Developpement, Université de Bourgogne
Classification: Pathogenic for Usher syndrome type 2A. Last evaluated: 2024-10-07. Review status: criteria provided, single submitter. Criteria: ACMG Guidelines, 2015. Collection method: clinical testing. Allele origin: maternal. Affected: yes.
Comment: This variant is not present in a homozygous state in population database gnomAD (v4.1.0). It was reported as pathogenic multiple times in ClinVar. It was featured in multiple articles concerning Usher syndrome type 2 (PMID 20513143, 27460420, 15241801, 26927203). Based on the evidence outlined above, the variant was classified as pathogenic.

Baylor Genetics
Classification: Pathogenic for Retinitis pigmentosa 39. Last evaluated: 2024-03-08. Review status: criteria provided, single submitter. Criteria: ACMG Guidelines, 2015. Collection method: clinical testing. Allele origin: unknown.

Genome-Nilou Lab
Classification: Pathogenic for Retinitis pigmentosa 39. Last evaluated: 2023-11-04. Review status: criteria provided, single submitter. Criteria: ACMG Guidelines, 2015. Collection method: clinical testing. Allele origin: germline. Affected: no.

Genome-Nilou Lab
Classification: Pathogenic for Usher syndrome type 2A. Last evaluated: 2023-11-04. Review status: criteria provided, single submitter. Criteria: ACMG Guidelines, 2015. Collection method: clinical testing. Allele origin: germline. Affected: no.

Institute of Human Genetics, Univ. Regensburg, Univ. Regensburg
Classification: Pathogenic for Retinal dystrophy. Last evaluated: 2023-01-01. Review status: criteria provided, single submitter. Criteria: ACMG Guidelines, 2015. Collection method: clinical testing. Allele origin: germline. Affected: yes.

AURAGEN, Plan France Médecine Génomique
Classification: Pathogenic for Retinal disorder. Last evaluated: 2022-06-09. Review status: criteria provided, single submitter. Criteria: PFMG2025 (Lancet Reg Health Eur. 2025). Collection method: clinical testing. Allele origin: germline. Affected: yes.

GeneDx
Classification: Pathogenic. Last evaluated: 2020-02-05. Review status: criteria provided, single submitter. Criteria: GeneDx Variant Classification Process June 2021. Collection method: clinical testing. Allele origin: germline. Affected: yes.
Comment: Non-canonical splice site variant demonstrated to result in loss-of-function (Vache et al., 2010); Not observed at a significant frequency in large population cohorts (Lek et al., 2016); This variant is associated with the following publications: (PMID: 27957503, 15043528, 15015129, 30904819, 20513143, 26927203, 24944099, 23891399, 28944237, 15241801, 15325563, 21569298, 18273898, 16963483, 25575603, 30609409)

Molecular Genetics Laboratory, Institute for Ophthalmic Research
Classification: Pathogenic for Usher syndrome type 2. Last evaluated: 2020-01-09. Review status: criteria provided, single submitter. Criteria: ACMG Guidelines, 2015. Collection method: research. Allele origin: germline. Affected: yes.

Fulgent Genetics
Classification: Pathogenic for Usher syndrome type 2A; Retinitis pigmentosa 39. Last evaluated: 2018-10-31. Review status: criteria provided, single submitter. Criteria: ACMG Guidelines, 2015. Collection method: clinical testing. Allele origin: unknown.

Knight Diagnostic Laboratories, Oregon Health and Sciences University
Classification: Pathogenic. Last evaluated: 2017-09-26. Review status: criteria provided, single submitter. Criteria: ACMG Guidelines, 2015. Collection method: clinical testing. Allele origin: germline. Observed: 1 variant allele.